The following is an entry in ClinVar:

ClinVar aggregate classification (germline): Uncertain significance (1 of 4 stars; one submission).

Conditions:
Severe combined immunodeficiency due to DCLRE1C deficiency (RS-SCID). Also called: SCID, AUTOSOMAL RECESSIVE, T CELL-NEGATIVE, B CELL-NEGATIVE, NK CELL-POSITIVE, WITH SENSITIVITY TO IONIZING RADIATION. Identifiers: Orphanet 275, MedGen C1865371, MONDO:0011225, OMIM 602450.

gnomAD v4.1: 4 of 1,613,270 alleles (0.00025%); highest among the groups gnomAD compares: African/African-American, 0.0053%; no homozygotes.

Submission:

Labcorp Genetics (formerly Invitae), Labcorp
Classification: Uncertain significance for Athabaskan severe combined immunodeficiency. Last evaluated: 2024-06-26. Review status: criteria provided, single submitter. Criteria: Invitae Variant Classification Sherloc (09022015). Collection method: clinical testing. Allele origin: germline.
Comment: This sequence change replaces histidine, which is basic and polar, with glutamine, which is neutral and polar, at codon 319 of the DCLRE1C protein (p.His319Gln). This variant is present in population databases (rs778381279, gnomAD 0.008%). This variant has not been reported in the literature in individuals affected with DCLRE1C-related conditions. Advanced modeling of protein sequence and biophysical properties (such as structural, functional, and spatial information, amino acid conservation, physicochemical variation, residue mobility, and thermodynamic stability) has been performed at Invitae for this missense variant, however the output from this modeling did not meet the statistical confidence thresholds required to predict the impact of this variant on DCLRE1C protein function. In summary, the available evidence is currently insufficient to determine the role of this variant in disease. Therefore, it has been classified as a Variant of Uncertain Significance.

NM_001033855.3(DCLRE1C):c.957C>A (p.His319Gln)

Gene: DCLRE1C (DNA cross-link repair 1C; minus strand). Cytogenetic location: 10p13.
Variant type: single nucleotide variant.
Coding change: c.957C>A on transcript NM_001033855.3 (MANE Select); coding-DNA position 957, C replaced by A.
Protein change: p.His319Gln; replaces histidine 319 with glutamine.
Molecular consequence: missense variant. On other transcripts: non-coding transcript variant (3).
Genome position (GRCh38, 1-based): chr10:14,926,858, G>T on the plus strand (C>A on the coding strand, the complement: DCLRE1C is on the minus strand). VCF-style: chr10-14926858-G-T. GRCh37 (hg19) VCF-style: chr10-14968857-G-T.
Other names: c.597C>A, p.His199Gln (NM_001033857.3, NM_001033858.3, NM_001289077.2 and 2 more transcripts); c.612C>A, p.His204Gln (NM_001289076.2, NM_001289078.2, NM_001350966.2 and 1 more transcripts); c.957C>A, p.His319Gln (NM_001350965.2); short protein forms H199Q, H204Q, H319Q.
Identifiers: ClinVar variation 3714245 (VCV003714245.2).